The following is an entry in ClinVar:

ClinVar aggregate classification (germline): Uncertain significance (1 of 4 stars; one submission).

Conditions:
X-linked lissencephaly with abnormal genitalia. Identifiers: Orphanet 452, MedGen C1846171, MONDO:0010268, OMIM 300215.

Allele frequency attached by ClinVar (database versions not stated): gnomAD 0.00001; TOPMed 0.00001.

Submission:

Baylor Genetics
Classification: Uncertain significance for X-linked lissencephaly with abnormal genitalia. Last evaluated: 2019-05-01. Review status: criteria provided, single submitter. Criteria: ACMG Guidelines, 2015. Collection method: clinical testing. Allele origin: maternal. Affected: yes.
Comment: This variant was determined to be of uncertain significance according to ACMG Guidelines, 2015 [PMID:25741868].

NM_139058.3(ARX):c.379C>T (p.Pro127Ser)

Genes: ARX (aristaless related homeobox; minus strand), LOC109610631 (aristaless related homeobox polyalanine expansion region; plus strand). Cytogenetic location: Xp21.3.
Variant type: single nucleotide variant.
Coding change: c.379C>T on transcript NM_139058.3 (MANE Select); coding-DNA position 379, C replaced by T.
Protein change: p.Pro127Ser; replaces proline 127 with serine.
Molecular consequence: missense variant.
Genome position (GRCh38, 1-based): chrX:25,013,616, G>A on the plus strand (C>T on the coding strand, the complement: ARX is on the minus strand). VCF-style: chrX-25013616-G-A. GRCh37 (hg19) VCF-style: chrX-25031733-G-A.
Other names: short protein forms P127S.
Identifiers: ClinVar variation 1031153 (VCV001031153.1), dbSNP rs1480629640, ClinGen allele CA412613299.